The following is an entry in ClinVar:

NM_001184.4(ATR):c.4379C>T (p.Thr1460Ile)

Gene: ATR (ATR serine/threonine kinase; minus strand). Cytogenetic location: 3q23.
Variant type: single nucleotide variant.
Coding change: c.4379C>T on transcript NM_001184.4 (MANE Select); coding-DNA position 4379, C replaced by T.
Protein change: p.Thr1460Ile; replaces threonine 1460 with isoleucine.
Molecular consequence: missense variant.
Genome position (GRCh38, 1-based): chr3:142,519,672, G>A on the plus strand (C>T on the coding strand, the complement: ATR is on the minus strand). VCF-style: chr3-142519672-G-A. GRCh37 (hg19) VCF-style: chr3-142238514-G-A.
Other names: c.4187C>T, p.Thr1396Ile (NM_001354579.2); short protein forms T1396I, T1460I.
Identifiers: ClinVar variation 3463280 (VCV003463280.1).

ClinVar aggregate classification (germline): Uncertain significance (1 of 4 stars; one submission).

Conditions:
Inborn genetic diseases. Identifiers: MedGen C0950123, MeSH D030342.

Submission:

Ambry Genetics
Classification: Uncertain significance for Inborn genetic diseases. Last evaluated: 2024-10-30. Review status: criteria provided, single submitter. Criteria: Ambry Variant Classification Scheme 2023. Collection method: clinical testing. Allele origin: germline.
Comment: The p.T1460I variant (also known as c.4379C>T), located in coding exon 24 of the ATR gene, results from a C to T substitution at nucleotide position 4379. The threonine at codon 1460 is replaced by isoleucine, an amino acid with similar properties. This amino acid position is conserved. In addition, the in silico prediction for this alteration is inconclusive. Based on the available evidence, the clinical significance of this variant remains unclear.